The following is an entry in ClinVar:

ClinVar aggregate classification (germline): Benign/Likely benign. Review status: criteria provided, multiple submitters, no conflicts (2 of 4 stars). 4 submissions from 4 submitters: Benign (1); Likely benign (2). 1 of the submissions does not count toward it. Last evaluated 2024-03-04.

Conditions:
Hypogonadotropic hypogonadism 5 with or without anosmia (KAL5). Also called: HYPOGONADOTROPIC HYPOGONADISM 5 WITH ANOSMIA; HYPOGONADOTROPHIC HYPOGONADISM 5 WITHOUT ANOSMIA; CHD7-Related GnRH Deficiency (Kallmann Syndrome 5). Identifiers: Orphanet 478, MedGen C3552553, MONDO:0012880, OMIM 612370. Disease mechanism: loss of function.
CHD7-related disorder. Also called: CHD7-related condition.
CHARGE syndrome (CHARGE). Also called: Hittner Hirsch Kreh syndrome; Coloboma, heart anomaly, choanal atresia, retardation, genital and ear anomalies; CHARGE association; Hall-Hittner syndrome; CHARGE ASSOCIATION--COLOBOMA, HEART ANOMALY, CHOANAL ATRESIA, RETARDATION, GENITAL AND EAR ANOMALIES. Identifiers: Orphanet 138, MedGen C0265354, MONDO:0008965.

Allele frequency attached by ClinVar (database versions not stated): TOPMed 0.00006; ESP Exome Variant Server 0.00008; 1000 Genomes Project 30x 0.00016; 1000 Genomes Project 0.00020.
gnomAD v4.1: 24 of 1,607,486 alleles (0.0015%); highest among the groups gnomAD compares: African/African-American, 0.024%; no homozygotes.

Submissions (4):

Fulgent Genetics
Classification: Likely benign for CHD7-related CHARGE syndrome; Hypogonadotropic hypogonadism 5 with or without anosmia. Last evaluated: 2024-03-04. Review status: criteria provided, single submitter. Criteria: ACMG Guidelines, 2015. Collection method: clinical testing. Allele origin: germline.

Labcorp Genetics (formerly Invitae), Labcorp
Classification: Benign for CHARGE syndrome. Last evaluated: 2023-06-09. Review status: criteria provided, single submitter. Criteria: Invitae Variant Classification Sherloc (09022015). Collection method: clinical testing. Allele origin: germline.

Illumina Laboratory Services, Illumina
Classification: Likely benign for Kallmann Syndrome 5. Last evaluated: 2018-01-13. Review status: criteria provided, single submitter. Criteria: ICSL Variant Classification Criteria 13 December 2019. Collection method: clinical testing. Allele origin: germline.
Comment: This variant was observed in the ICSL laboratory as part of a predisposition screen in an ostensibly healthy population. It had not been previously curated by ICSL or reported in the Human Gene Mutation Database (HGMD: prior to June 1st, 2018), and was therefore a candidate for classification through an automated scoring system. Utilizing variant allele frequency, disease prevalence and penetrance estimates, and inheritance mode, an automated score was calculated to assess if this variant is too frequent to cause the disease. Based on the score and internal cut-off values, a variant classified as likely benign is not then subjected to further curation. The score for this variant resulted in a classification of likely benign for this disease.

PreventionGenetics, part of Exact Sciences
Classification: Likely benign for CHD7-related condition. Last evaluated: 2024-08-09. Review status: no assertion criteria provided. Collection method: clinical testing. Allele origin: germline. Not counted in ClinVar's aggregate classification.
Comment: This variant is classified as likely benign based on ACMG/AMP sequence variant interpretation guidelines (Richards et al. 2015 PMID: 25741868, with internal and published modifications).

NM_017780.4(CHD7):c.7108G>A (p.Gly2370Ser)

Gene: CHD7 (chromodomain helicase DNA binding protein 7; plus strand). Cytogenetic location: 8q12.2.
Variant type: single nucleotide variant.
Coding change: c.7108G>A on transcript NM_017780.4 (MANE Select); coding-DNA position 7108, G replaced by A.
Protein change: p.Gly2370Ser; replaces glycine 2370 with serine.
Molecular consequence: missense variant. On other transcripts: intron variant (1).
Genome position (GRCh38, 1-based): chr8:60,856,146, G>A. VCF-style: chr8-60856146-G-A. GRCh37 (hg19) VCF-style: chr8-61768705-G-A.
Other names: c.1717-6083G>A (NM_001316690.1); short protein forms G2370S.
Identifiers: ClinVar variation 529133 (VCV000529133.16), dbSNP rs185940313, ClinGen allele CA4760741.